The following is an entry in ClinVar:

ClinVar aggregate classification (germline): Uncertain significance (1 of 4 stars; one submission).

Submission:

Labcorp Genetics (formerly Invitae), Labcorp
Classification: Uncertain significance. Last evaluated: 2022-06-28. Review status: criteria provided, single submitter. Criteria: Invitae Variant Classification Sherloc (09022015). Collection method: clinical testing. Allele origin: germline.
Comment: This sequence change falls in intron 2 of the CACNA1B gene. It does not directly change the encoded amino acid sequence of the CACNA1B protein. It affects a nucleotide within the consensus splice site. The frequency data for this variant in the population databases is considered unreliable, as metrics indicate poor data quality at this position in the gnomAD database. This variant has not been reported in the literature in individuals affected with CACNA1B-related conditions. Variants that disrupt the consensus splice site are a relatively common cause of aberrant splicing (PMID: 17576681, 9536098). Algorithms developed to predict the effect of sequence changes on RNA splicing suggest that this variant may disrupt the consensus splice site. In summary, the available evidence is currently insufficient to determine the role of this variant in disease. Therefore, it has been classified as a Variant of Uncertain Significance.

Literature cited by the submitters: PubMed 17576681; PubMed 9536098.

NM_000718.4(CACNA1B):c.390+1_390+2insACGACACGGAGCCCTATTTCATCGGGATCTTTTGCTTCGAGGCAGGGATCAAAATCATCGCTCTGGGCTTTGTCTTCCACAAGGGCTCT

Genes: CACNA1B (calcium voltage-gated channel subunit alpha1 B; plus strand), CACNA1B-AS2 (CACNA1B antisense RNA 2; minus strand). Cytogenetic location: 9q34.3.
Variant type: Insertion.
Coding change: c.390+1_390+2insACGACACGGAGCCCTATTTCATCGGGATCTTTTGCTTCGAGGCAGGGATCAAAATCATCGCTCTGGGCTTTGTCTTCCACAAGGGCTCT on transcript NM_000718.4 (MANE Select); the canonical splice donor site of the intron after coding-DNA position 390, ACGACACGGAGCCCTATTTCATCGGGATCTTTTGCTTCGAGGCAGGGATCAAAATCATCGCTCTGGGCTTTGTCTTCCACAAGGGCTCT inserted.
Molecular consequence: splice donor variant.
Genome position: GRCh38: chr9:137,879,160-137,879,161. GRCh37 (hg19): chr9:140,773,612-140,773,613.
Other names: c.390+1_390+2insACGACACGGAGCCCTATTTCATCGGGATCTTTTGCTTCGAGGCAGGGATCAAAATCATCGCTCTGGGCTTTGTCTTCCACAAGGGCTCT (NM_001243812.2).
Identifiers: ClinVar variation 2039785 (VCV002039785.1), dbSNP rs370237172, ClinGen allele CA591258996.